The following is an entry in ClinVar:

NM_003079.5(SMARCE1):c.1148G>A (p.Ser383Asn)

Gene: SMARCE1 (SWI/SNF related BAF chromatin remodeling complex subunit E1; minus strand). Cytogenetic location: 17q21.2.
Variant type: single nucleotide variant.
Coding change: c.1148G>A on transcript NM_003079.5 (MANE Select); coding-DNA position 1148, G replaced by A.
Protein change: p.Ser383Asn; replaces serine 383 with asparagine.
Molecular consequence: missense variant.
Genome position (GRCh38, 1-based): chr17:40,628,873, C>T on the plus strand (G>A on the coding strand, the complement: SMARCE1 is on the minus strand). VCF-style: chr17-40628873-C-T. GRCh37 (hg19) VCF-style: chr17-38785125-C-T.
Other names: short protein forms S383N.
Identifiers: ClinVar variation 463420 (VCV000463420.12), dbSNP rs1555605079, ClinGen allele CA399361151.

ClinVar aggregate classification (germline): Conflicting classifications of pathogenicity. Review status: criteria provided, conflicting classifications (1 of 4 stars). 3 submissions from 3 submitters: Uncertain significance (2); Likely benign (1). Last evaluated 2025-10-13.

Conditions:
Hereditary cancer-predisposing syndrome. Also called: Neoplastic Syndromes, Hereditary; Hereditary Cancer Syndrome; Hereditary neoplastic syndrome; Tumor predisposition. Identifiers: Orphanet 140162, MedGen C0027672, MeSH D009386, MONDO:0015356.
Familial meningioma. Also called: Meningioma, familial, susceptibility to. Identifiers: Orphanet 263662, MedGen C3551915, MONDO:0011789, OMIM 607174.

Allele frequency attached by ClinVar (database versions not stated): gnomAD 0.00001; gnomAD exomes 0.00001.
gnomAD v4.1: 10 of 1,613,808 alleles (0.00062%); highest among the groups gnomAD compares: Admixed American, 0.0033%; no homozygotes.

Submissions (3):

Labcorp Genetics (formerly Invitae), Labcorp
Classification: Uncertain significance for Familial meningioma. Last evaluated: 2025-10-13. Review status: criteria provided, single submitter. Criteria: Invitae Variant Classification Sherloc (09022015). Collection method: clinical testing. Allele origin: germline.
Comment: This sequence change replaces serine, which is neutral and polar, with asparagine, which is neutral and polar, at codon 383 of the SMARCE1 protein (p.Ser383Asn). This variant is not present in population databases (gnomAD no frequency). This variant has not been reported in the literature in individuals affected with SMARCE1-related conditions. ClinVar contains an entry for this variant (Variation ID: 463420). Invitae Evidence Modeling of protein sequence and biophysical properties (such as structural, functional, and spatial information, amino acid conservation, physicochemical variation, residue mobility, and thermodynamic stability) indicates that this missense variant is not expected to disrupt SMARCE1 protein function with a negative predictive value of 80%. In summary, the available evidence is currently insufficient to determine the role of this variant in disease. Therefore, it has been classified as a Variant of Uncertain Significance.

Ambry Genetics
Classification: Likely benign for Hereditary cancer-predisposing syndrome. Last evaluated: 2024-11-14. Review status: criteria provided, single submitter. Criteria: Ambry Variant Classification Scheme 2023. Collection method: clinical testing. Allele origin: germline.

Baylor Genetics
Classification: Uncertain significance for Familial meningioma. Last evaluated: 2023-11-29. Review status: criteria provided, single submitter. Criteria: ACMG Guidelines, 2015. Collection method: clinical testing. Allele origin: unknown.